The following is an entry in ClinVar:

ClinVar aggregate classification (germline): Likely benign (1 of 4 stars; one submission).

Allele frequency attached by ClinVar (database versions not stated): gnomAD exomes below 0.00001 and 0.00001; TOPMed below 0.00001; ExAC 0.00001; gnomAD 0.00001.
gnomAD v4.1: 11 of 1,609,984 alleles (0.00068%); highest among the groups gnomAD compares: African/African-American, 0.0013%; no homozygotes.

Submission:

GeneDx
Classification: Likely benign. Last evaluated: 2017-01-04. Review status: criteria provided, single submitter. Criteria: GeneDx Variant Classification (06012015). Collection method: clinical testing. Allele origin: germline. Affected: yes.
Comment: This variant is considered likely benign or benign based on one or more of the following criteria: it is a conservative change, it occurs at a poorly conserved position in the protein, it is predicted to be benign by multiple in silico algorithms, and/or has population frequency not consistent with disease.

NM_002968.3(SALL1):c.3534+5C>T

Gene: SALL1 (spalt like transcription factor 1; minus strand). Cytogenetic location: 16q12.1.
Variant type: single nucleotide variant.
Coding change: c.3534+5C>T on transcript NM_002968.3 (MANE Select); 5 bases into the intron after coding-DNA position 3534, C replaced by T.
Molecular consequence: intron variant.
Genome position (GRCh38, 1-based): chr16:51,138,683, G>A on the plus strand (C>T on the coding strand, the complement: SALL1 is on the minus strand). VCF-style: chr16-51138683-G-A. GRCh37 (hg19) VCF-style: chr16-51172594-G-A.
Other names: c.3243+5C>T (NM_001127892.2).
Identifiers: ClinVar variation 391957 (VCV000391957.1), dbSNP rs775713627, ClinGen allele CA8052916.
Genomic context (GRCh38, chr16:51,138,683, plus strand): 5'-ATAGATAATCAATGGCAGTGGGACAGGGTTGATGGAGCAGGTATGGTGCAGAGAGAGCAA[G>A]GTACCTTAAGATTGCCTTTAGTCGTGAAAGCTCTTCCACAAATAGTGCAAGCAAAGGGTT-3'